The following is an entry in ClinVar:

ClinVar aggregate classification (germline): Benign (0 of 4 stars; one submission).

Conditions:
SLC1A5-related disorder. Also called: SLC1A5-related condition.

Allele frequency attached by ClinVar (database versions not stated): gnomAD exomes 0.00044; ExAC 0.00136; 1000 Genomes Project 0.00399; gnomAD 0.00399; TOPMed 0.00434; ESP Exome Variant Server 0.00461; 1000 Genomes Project 30x 0.00468.

Submission:

PreventionGenetics, part of Exact Sciences
Classification: Benign for SLC1A5-related condition. Last evaluated: 2019-06-26. Review status: no assertion criteria provided. Collection method: clinical testing. Allele origin: germline.
Comment: This variant is classified as benign based on ACMG/AMP sequence variant interpretation guidelines (Richards et al. 2015 PMID: 25741868, with internal and published modifications).

NM_005628.3(SLC1A5):c.1170C>T (p.Ala390=)

Gene: SLC1A5 (solute carrier family 1 member 5; minus strand). Cytogenetic location: 19q13.32.
Variant type: single nucleotide variant.
Coding change: c.1170C>T on transcript NM_005628.3 (MANE Select); coding-DNA position 1170, C replaced by T.
Protein change: p.Ala390=; no amino-acid change (alanine 390 retained).
Molecular consequence: synonymous variant.
Genome position (GRCh38, 1-based): chr19:46,777,294, G>A on the plus strand (C>T on the coding strand, the complement: SLC1A5 is on the minus strand). VCF-style: chr19-46777294-G-A. GRCh37 (hg19) VCF-style: chr19-47280551-G-A.
Other names: c.486C>T, p.Ala162= (NM_001145144.2); c.564C>T, p.Ala188= (NM_001145145.2).
Identifiers: ClinVar variation 3037126 (VCV003037126.2), dbSNP rs146470493, ClinGen allele CA9532483.